The following is an entry in ClinVar:

ClinVar aggregate classification (germline): Uncertain significance (1 of 4 stars; one submission).

Conditions:
DiGeorge syndrome. Also called: Catch22; THIRD AND FOURTH PHARYNGEAL POUCH SYNDROME. Identifiers: Orphanet 567, MedGen C0012236, MONDO:0008564, OMIM 188400.

Submission:

Labcorp Genetics (formerly Invitae), Labcorp
Classification: Uncertain significance for DiGeorge syndrome. Last evaluated: 2022-08-23. Review status: criteria provided, single submitter. Criteria: Invitae Variant Classification Sherloc (09022015). Collection method: clinical testing. Allele origin: germline.
Comment: In summary, the available evidence is currently insufficient to determine the role of this variant in disease. Therefore, it has been classified as a Variant of Uncertain Significance. Experimental studies and prediction algorithms are not available or were not evaluated, and the functional significance of this variant is currently unknown. ClinVar contains an entry for this variant (Variation ID: 936438). This variant has not been reported in the literature in individuals affected with TBX1-related conditions. This variant is not present in population databases (gnomAD no frequency). This variant, c.1392_1406del, results in the deletion of 5 amino acid(s) of the TBX1 protein (p.Ala472_Ala476del), but otherwise preserves the integrity of the reading frame.

NM_001379200.1(TBX1):c.1419_1433del (p.Ala481_Ala485del)

Gene: TBX1 (T-box transcription factor 1; plus strand). Cytogenetic location: 22q11.21.
Variant type: Deletion.
Coding change: c.1419_1433del on transcript NM_001379200.1 (MANE Select); coding-DNA positions 1419 to 1433, 15 bases deleted (GGCCGCCGCCGCCGC).
Protein change: p.Ala481_Ala485del.
Molecular consequence: inframe deletion. On other transcripts: intron variant (2).
Genome position (GRCh38, 1-based): chr22:19,766,771-19,766,785, GGCCGCCGCCGCCGC deleted; deleting any 15 consecutive bases within chr22:19,766,763-19,766,785 gives the same sequence; the c. name uses the placement nearest the transcript's 3' end. VCF-style (leftmost placement, unchanged base first): chr22-19766762-AGCCGCCGCGGCCGCC-A. GRCh37 (hg19) VCF-style: chr22-19754285-AGCCGCCGCGGCCGCC-A.
Other names: c.1392_1406del, p.Ala472_Ala476del (NM_080647.1); c.1009+769_1009+783del (NM_005992.1, NM_080646.2).
Identifiers: ClinVar variation 936438 (VCV000936438.7), dbSNP rs780815537, ClinGen allele CA1024131867.